The following is an entry in ClinVar:

NM_001287491.2(TET3):c.2005C>T (p.Pro669Ser)

Gene: TET3 (tet methylcytosine dioxygenase 3; plus strand). Cytogenetic location: 2p13.1.
Variant type: single nucleotide variant.
Coding change: c.2005C>T on transcript NM_001287491.2 (MANE Select); coding-DNA position 2005, C replaced by T.
Protein change: p.Pro669Ser; replaces proline 669 with serine.
Molecular consequence: missense variant.
Genome position (GRCh38, 1-based): chr2:74,047,922, C>T. VCF-style: chr2-74047922-C-T. GRCh37 (hg19) VCF-style: chr2-74275049-C-T.
Other names: c.1726C>T, p.Pro576Ser (NM_001366022.1); short protein forms P576S, P669S.
Identifiers: ClinVar variation 4535077 (VCV004535077.6).

ClinVar aggregate classification (germline): Uncertain significance (1 of 4 stars; one submission).

gnomAD v4.1: 2 of 1,613,684 alleles (0.00012%); highest among the groups gnomAD compares: Non-Finnish European, 0.00017%; no homozygotes.

Submission:

CeGaT Center for Human Genetics Tuebingen
Classification: Uncertain significance. Last evaluated: 2025-10-01. Review status: criteria provided, single submitter. Criteria: CeGaT Center For Human Genetics Tuebingen Variant Classification Criteria Version 2. Collection method: clinical testing. Allele origin: germline. Affected: yes. Observed: 1 variant allele.
Comment: TET3: PM2:Supporting, PS2:Supporting